The following is an entry in ClinVar:

NM_000287.4(PEX6):c.1962-1G>A

Gene: PEX6 (peroxisomal biogenesis factor 6; minus strand). Cytogenetic location: 6p21.1.
Variant type: single nucleotide variant.
Coding change: c.1962-1G>A on transcript NM_000287.4 (MANE Select); the canonical splice acceptor site of the intron before coding-DNA position 1962, G replaced by A.
Molecular consequence: splice acceptor variant.
Genome position (GRCh38, 1-based): chr6:42,966,658, C>T on the plus strand (G>A on the coding strand, the complement: PEX6 is on the minus strand). VCF-style: chr6-42966658-C-T. GRCh37 (hg19) VCF-style: chr6-42934396-C-T.
Other names: c.1698-1G>A (NM_001316313.2).
Identifiers: ClinVar variation 550358 (VCV000550358.15), dbSNP rs267608229, ClinGen allele CA138223536.

ClinVar aggregate classification (germline): Pathogenic/Likely pathogenic. Review status: criteria provided, multiple submitters, no conflicts (2 of 4 stars). 7 submissions from 7 submitters: Pathogenic (4); Likely pathogenic (1). 2 of the submissions do not count toward it. Last evaluated 2024-11-15.

Conditions:
Peroxisome biogenesis disorder 4A (Zellweger) (PBD4A). Also called: Zellweger syndrome spectrum (PEX6-related). Identifiers: Orphanet 912, MedGen C3553936, MONDO:0013930, OMIM 614862. Disease mechanism: loss of function.
Peroxisome biogenesis disorder 4B (PBD4B). Also called: SPINOCEREBELLAR ATAXIA WITH BLINDNESS AND DEAFNESS 1. Identifiers: Orphanet 44, Orphanet 95433, MedGen C3553937, MONDO:0013931, OMIM 614863.
Heimler syndrome 2 (HMLR2). Also called: PEROXISOME BIOGENESIS DISORDER 4C. Identifiers: Orphanet 3220, MedGen C4225267, OMIM 616617, MONDO:0014709.
Zellweger spectrum disorders (ZS). Also called: Zellweger syndrome; Zellweger Spectrum Disorder; Zellweger Spectrum; Zellweger Spectrum Disorder (ZSD). Identifiers: Orphanet 912, MedGen C0043459, MONDO:0019609.
Peroxisome biogenesis disorder. Identifiers: Orphanet 79189, MedGen C1832200, MONDO:0019234. Disease mechanism: loss of function.

Allele frequency attached by ClinVar (database versions not stated): gnomAD 0.00002; TOPMed 0.00002.
gnomAD v4.1: 3 of 1,614,074 alleles (0.00019%); highest among the groups gnomAD compares: African/African-American, 0.004%; no homozygotes.

Submissions (7):

Natera, Inc.
Classification: Pathogenic for Zellweger syndrome. Last evaluated: 2024-11-15. Review status: criteria provided, single submitter. Criteria: Natera Variant Classification Schema (03/2026). Collection method: clinical testing. Allele origin: germline.
Comment: The c.1962-1G>A variant in PEX6 is a canonical splice acceptor site variant predicted to affect pre-mRNA splicing, which may result in an abnormal transcript and altered protein product. This variant is expected to result in nonsense mediated decay, truncation, or a dysfunctional protein product. This variant is rare in the general population with a frequency below the threshold expected for the associated phenotype(s). This variant has been observed in one or more individuals affected with the associated recessive disease, as either homozygous or compound heterozygous with a second variant (PMID: 19105186, 15542397, 8670792). Given the available evidence, this variant is classified as Pathogenic.

Fulgent Genetics
Classification: Pathogenic for Peroxisome biogenesis disorder 4A (Zellweger); Peroxisome biogenesis disorder 4B; Heimler syndrome 2. Last evaluated: 2024-03-13. Review status: criteria provided, single submitter. Criteria: ACMG Guidelines, 2015. Collection method: clinical testing. Allele origin: germline.

Labcorp Genetics (formerly Invitae), Labcorp
Classification: Pathogenic for Peroxisome biogenesis disorder. Last evaluated: 2024-01-16. Review status: criteria provided, single submitter. Criteria: Invitae Variant Classification Sherloc (09022015). Collection method: clinical testing. Allele origin: germline.
Comment: This sequence change affects an acceptor splice site in intron 9 of the PEX6 gene. RNA analysis indicates that disruption of this splice site induces altered splicing and may result in an absent or disrupted protein product. This variant is present in population databases (rs267608229, gnomAD 0.02%). Disruption of this splice site has been observed in individual(s) with clinical features of Zellweger spectrum disorder (PMID: 8670792). In at least one individual the data is consistent with being in trans (on the opposite chromosome) from a pathogenic variant. ClinVar contains an entry for this variant (Variation ID: 550358). Studies have shown that disruption of this splice site results in an 8 base pair deletion (c.1962_1969del) and introduces a premature termination codon (PMID: 8670792). The resulting mRNA is expected to undergo nonsense-mediated decay. For these reasons, this variant has been classified as Pathogenic.

Baylor Genetics
Classification: Pathogenic for Heimler syndrome 2. Last evaluated: 2023-05-14. Review status: criteria provided, single submitter. Criteria: ACMG Guidelines, 2015. Collection method: clinical testing. Allele origin: unknown.

Women's Health and Genetics/Laboratory Corporation of America, LabCorp
Classification: Likely pathogenic for Peroxisome biogenesis disorder. Last evaluated: 2023-03-21. Review status: criteria provided, single submitter. Criteria: LabCorp Variant Classification Summary - May 2015. Collection method: clinical testing. Allele origin: germline.
Comment: Variant summary: PEX6 c.1962-1G>A is located in a canonical splice-site and is predicted to affect mRNA splicing resulting in a significantly altered protein due to either exon skipping, shortening, or inclusion of intronic material. Several computational tools predict a significant impact on normal splicing: Four predict the variant abolishes the canonical 3' acceptor site. However, these predictions have yet to be confirmed by functional studies. The variant was absent in 251450 control chromosomes (gnomAD). c.1962-1G>A has been reported in the literature in individuals affected with Zellweger Syndrome and Peroxisome biogenesis disorders (examples: Yahraus_1996, Yik_2009, Ebberink_2010). These data indicate that the variant may be associated with disease. At least two publications report experimental evidence evaluating an impact on protein function, however, does not allow convincing conclusions about the variant effect (example: Yahraus_1996, Weller_2005). Two clinical diagnostic laboratories have submitted clinical-significance assessments for this variant to ClinVar after 2014 and classified the variant as pathogenic. Based on the evidence outlined above, the variant was classified as likely pathogenic.

Counsyl
Classification: Pathogenic for Peroxisome biogenesis disorder 4A (Zellweger); Peroxisome biogenesis disorder 4B. Last evaluated: 2017-01-13. Review status: no assertion criteria provided. Collection method: clinical testing. Allele origin: unknown. Not counted in ClinVar's aggregate classification.

OMIM
Classification: Pathogenic for PEROXISOME BIOGENESIS DISORDER 4A (ZELLWEGER). Last evaluated: 1996-06-17. Review status: no assertion criteria provided. Collection method: literature only. Allele origin: germline. Not counted in ClinVar's aggregate classification.

Literature cited by the submitters: PubMed 19105186 (cited by 3 submitters); PubMed 15542397 (cited by Natera, Inc. and Women's Health and Genetics/Laboratory Corporation of America, LabCorp); PubMed 8670792 (cited by 5 submitters); PubMed 19877282 (cited by Women's Health and Genetics/Laboratory Corporation of America, LabCorp); PubMed 32399598 (cited by Women's Health and Genetics/Laboratory Corporation of America, LabCorp); PubMed 15858711 (cited by Women's Health and Genetics/Laboratory Corporation of America, LabCorp and Counsyl); PubMed 25525159 (cited by Counsyl).